The following is an entry in ClinVar:

NM_015721.3(GEMIN4):c.436G>A (p.Glu146Lys)

Gene: GEMIN4 (gem nuclear organelle associated protein 4; minus strand). Cytogenetic location: 17p13.3.
Variant type: single nucleotide variant.
Coding change: c.436G>A on transcript NM_015721.3 (MANE Select); coding-DNA position 436, G replaced by A.
Protein change: p.Glu146Lys; replaces glutamic acid 146 with lysine.
Molecular consequence: missense variant.
Genome position (GRCh38, 1-based): chr17:747,607, C>T on the plus strand (G>A on the coding strand, the complement: GEMIN4 is on the minus strand). VCF-style: chr17-747607-C-T. GRCh37 (hg19) VCF-style: chr17-650847-C-T.
Other names: short protein forms E146K.
Identifiers: ClinVar variation 2629210 (VCV002629210.1), dbSNP rs1194407996, ClinGen allele CA397510245.
Genomic context (GRCh38, chr17:747,607, plus strand): 5'-CCCACCAGACGTCCAGGAAGAAGGCCACGTCTTCGGCAGAAGTGTCAACGGTCACATGTT[C>T]CAGAAAGCGCTCTAGTTCTGCATGGCAGATGGTGGTGGGCAGGGCCATCAGGAGCTGGAT-3'
Protein context (NP_056536.2, residues 136-156): ICHAELERFL[Glu146Lys]HVTVDTSAED

ClinVar aggregate classification (germline): Uncertain significance (1 of 4 stars; one submission).

Conditions:
GEMIN4-related disorder. Also called: GEMIN4-related condition.

Allele frequency attached by ClinVar (database versions not stated): TOPMed below 0.00001; gnomAD 0.00001; gnomAD exomes 0.00001.

Submission:

PreventionGenetics, part of Exact Sciences
Classification: Uncertain significance for GEMIN4-related condition. Last evaluated: 2023-06-19. Review status: criteria provided, single submitter. Criteria: ACMG Guidelines, 2015. Collection method: clinical testing. Allele origin: germline.
Comment: The GEMIN4 c.436G>A variant is predicted to result in the amino acid substitution p.Glu146Lys. To our knowledge, this variant has not been reported in the literature. This variant is reported in 0.0098% of alleles in individuals of South Asian descent in gnomAD. At this time, the clinical significance of this variant is uncertain due to the absence of conclusive functional and genetic evidence.